The following is an entry in ClinVar:

ClinVar aggregate classification (germline): Uncertain significance (1 of 4 stars; one submission).

Conditions:
Cardiovascular phenotype. Identifiers: MedGen CN230736.

gnomAD v4.1: 16 of 1,559,012 alleles (0.001%); highest among the groups gnomAD compares: Non-Finnish European, 0.0014%; no homozygotes.

Submission:

Ambry Genetics
Classification: Uncertain significance for Cardiovascular phenotype. Last evaluated: 2024-03-30. Review status: criteria provided, single submitter. Criteria: Ambry Variant Classification Scheme 2023. Collection method: clinical testing. Allele origin: germline.
Comment: The p.G78S variant (also known as c.232G>A), located in coding exon 1 of the LOX gene, results from a G to A substitution at nucleotide position 232. The glycine at codon 78 is replaced by serine, an amino acid with similar properties. This amino acid position is conserved. In addition, this alteration is predicted to be tolerated by in silico analysis. Based on the available evidence, the clinical significance of this alteration remains unclear.

NM_002317.7(LOX):c.232G>A (p.Gly78Ser)

Genes: LOX (lysyl oxidase; minus strand), SRFBP1 (serum response factor binding protein 1; plus strand). Cytogenetic location: 5q23.1.
Variant type: single nucleotide variant.
Coding change: c.232G>A on transcript NM_002317.7 (MANE Select); coding-DNA position 232, G replaced by A.
Protein change: p.Gly78Ser; replaces glycine 78 with serine.
Molecular consequence: missense variant.
Genome position (GRCh38, 1-based): chr5:122,077,754, C>T on the plus strand (G>A on the coding strand, the complement: LOX is on the minus strand). VCF-style: chr5-122077754-C-T. GRCh37 (hg19) VCF-style: chr5-121413449-C-T.
Other names: short protein forms G78S.
Identifiers: ClinVar variation 3291076 (VCV003291076.1).